The following is an entry in ClinVar:

NM_001035.3(RYR2):c.6166+6C>T

Gene: RYR2 (ryanodine receptor 2; plus strand). Cytogenetic location: 1q43.
Variant type: single nucleotide variant.
Coding change: c.6166+6C>T on transcript NM_001035.3 (MANE Select); 6 bases into the intron after coding-DNA position 6166, C replaced by T.
Molecular consequence: intron variant.
Genome position (GRCh38, 1-based): chr1:237,625,810, C>T. VCF-style: chr1-237625810-C-T. GRCh37 (hg19) VCF-style: chr1-237789110-C-T.
Identifiers: ClinVar variation 920697 (VCV000920697.6), dbSNP rs1679584792, ClinGen allele CA1139656657.

ClinVar aggregate classification (germline): Conflicting classifications of pathogenicity. Review status: criteria provided, conflicting classifications (1 of 4 stars). 2 submissions from 2 submitters: Uncertain significance (1); Likely benign (1). Last evaluated 2025-05-08.

Conditions:
Catecholaminergic polymorphic ventricular tachycardia 1. Also called: VENTRICULAR TACHYCARDIA, CATECHOLAMINERGIC POLYMORPHIC, 1, WITH OR WITHOUT ATRIAL DYSFUNCTION AND/OR DILATED CARDIOMYOPATHY; RYR2-Related Catecholaminergic Polymorphic Ventricular Tachycardia; VENTRICULAR TACHYCARDIA, STRESS-INDUCED POLYMORPHIC 1. Identifiers: Orphanet 3286, MedGen C1631597, MONDO:0011484, OMIM 604772.
Cardiomyopathy (CMYO). Also called: Cardiomyopathies. Identifiers: Orphanet 167848, MedGen C0878544, MONDO:0004994, HP:0001638. Inheritance: Various modes of inheritance.

Allele frequency attached by ClinVar (database versions not stated): gnomAD exomes below 0.00001.
gnomAD v4.1: 2 of 1,612,922 alleles (0.00012%); highest among the groups gnomAD compares: Non-Finnish European, 0.00017%; no homozygotes.

Submissions (2):

Labcorp Genetics (formerly Invitae), Labcorp
Classification: Uncertain significance for Catecholaminergic polymorphic ventricular tachycardia 1. Last evaluated: 2025-05-08. Review status: criteria provided, single submitter. Criteria: Invitae Variant Classification Sherloc (09022015). Collection method: clinical testing. Allele origin: germline.
Comment: This sequence change falls in intron 40 of the RYR2 gene. It does not directly change the encoded amino acid sequence of the RYR2 protein. It affects a nucleotide within the consensus splice site. This variant is not present in population databases (gnomAD no frequency). This variant has not been reported in the literature in individuals affected with RYR2-related conditions. ClinVar contains an entry for this variant (Variation ID: 920697). Variants that disrupt the consensus splice site are a relatively common cause of aberrant splicing (PMID: 17576681, 9536098). Algorithms developed to predict the effect of sequence changes on RNA splicing suggest that this variant is not likely to affect RNA splicing. In summary, the available evidence is currently insufficient to determine the role of this variant in disease. Therefore, it has been classified as a Variant of Uncertain Significance.

Color Diagnostics, LLC DBA Color Health
Classification: Likely benign for Cardiomyopathy. Last evaluated: 2019-06-26. Review status: criteria provided, single submitter. Criteria: ACMG Guidelines, 2015. Collection method: clinical testing. Allele origin: germline.

Literature cited by the submitters: PubMed 17576681 (cited by Labcorp Genetics (formerly Invitae), Labcorp); PubMed 9536098 (cited by Labcorp Genetics (formerly Invitae), Labcorp).